The following is an entry in ClinVar:

NM_016123.4(IRAK4):c.*2433T>C

Gene: IRAK4 (interleukin 1 receptor associated kinase 4; plus strand). Cytogenetic location: 12q12.
Variant type: single nucleotide variant.
Coding change: c.*2433T>C on transcript NM_016123.4 (MANE Select); 2433 bases downstream of the stop codon, T replaced by C.
Molecular consequence: 3 prime UTR variant.
Genome position (GRCh38, 1-based): chr12:43,789,148, T>C. VCF-style: chr12-43789148-T-C. GRCh37 (hg19) VCF-style: chr12-44182951-T-C.
Other names: c.*2433T>C (NM_001114182.3, NM_001145256.2, NM_001145257.2 and 9 more transcripts).
Identifiers: ClinVar variation 308765 (VCV000308765.6), dbSNP rs9849, ClinGen allele CA10642265.

ClinVar aggregate classification (germline): Benign. Review status: criteria provided, multiple submitters, no conflicts (2 of 4 stars). 2 submissions from 2 submitters: Benign (2). Last evaluated 2018-01-12.

Conditions:
Immunodeficiency 67. Also called: Immunodeficiency due to interleukin-1 receptor-associated kinase-4 deficiency. Identifiers: Orphanet 70592, MedGen C1843256, MONDO:0011888, OMIM 607676.

Allele frequency attached by ClinVar (database versions not stated): gnomAD exomes 0.10714; gnomAD 0.21152 and 0.21802; TOPMed 0.22988; 1000 Genomes Project 0.25899; 1000 Genomes Project 30x 0.26577.
gnomAD v4.1: 31,988 of 152,000 alleles (21%); highest among the groups gnomAD compares: African/African-American, 51%; 6,142 homozygotes.

Submissions (2):

Illumina Laboratory Services, Illumina
Classification: Benign for Immunodeficiency 67. Last evaluated: 2018-01-12. Review status: criteria provided, single submitter. Criteria: ICSL Variant Classification Criteria 13 December 2019. Collection method: clinical testing. Allele origin: germline.
Comment: This variant was observed in the ICSL laboratory as part of a predisposition screen in an ostensibly healthy population. It had not been previously curated by ICSL or reported in the Human Gene Mutation Database (HGMD: prior to June 1st, 2018), and was therefore a candidate for classification through an automated scoring system. Utilizing variant allele frequency, disease prevalence and penetrance estimates, and inheritance mode, an automated score was calculated to assess if this variant is too frequent to cause the disease. Based on the score and internal cut-off values, a variant classified as benign is not then subjected to further curation. The score for this variant resulted in a classification of benign for this disease.

Breakthrough Genomics
Classification: Benign. Review status: criteria provided, single submitter. Criteria: ACMG Guidelines, 2015. Collection method: not provided. Allele origin: germline. Inheritance: Autosomal recessive inheritance. Affected: yes.